The following is an entry in ClinVar:

NM_206933.4(USH2A):c.9682C>T (p.Gln3228Ter)

Gene: USH2A (usherin; minus strand). Cytogenetic location: 1q41.
Variant type: single nucleotide variant.
Coding change: c.9682C>T on transcript NM_206933.4 (MANE Select); coding-DNA position 9682, C replaced by T.
Protein change: p.Gln3228Ter; replaces glutamine 3228 with a stop codon.
Molecular consequence: nonsense.
Genome position (GRCh38, 1-based): chr1:215,813,793, G>A on the plus strand (C>T on the coding strand, the complement: USH2A is on the minus strand). VCF-style: chr1-215813793-G-A. GRCh37 (hg19) VCF-style: chr1-215987135-G-A.
Other names: short protein forms Q3228*.
Identifiers: ClinVar variation 813121 (VCV000813121.5), dbSNP rs1662772955, ClinGen allele CA344821731.

ClinVar aggregate classification (germline): Pathogenic. Review status: criteria provided, multiple submitters, no conflicts (2 of 4 stars). 2 submissions from 2 submitters: Pathogenic (2). Last evaluated 2022-10-16.

Conditions:
Usher syndrome type 2. Also called: Usher Syndrome Type II. Identifiers: Orphanet 231178, MedGen C0339534, MONDO:0016484.

Submissions (2):

Labcorp Genetics (formerly Invitae), Labcorp
Classification: Pathogenic. Last evaluated: 2022-10-16. Review status: criteria provided, single submitter. Criteria: Invitae Variant Classification Sherloc (09022015). Collection method: clinical testing. Allele origin: germline.
Comment: ClinVar contains an entry for this variant (Variation ID: 813121). For these reasons, this variant has been classified as Pathogenic. This variant has not been reported in the literature in individuals affected with USH2A-related conditions. This variant is not present in population databases (gnomAD no frequency). This sequence change creates a premature translational stop signal (p.Gln3228*) in the USH2A gene. It is expected to result in an absent or disrupted protein product. Loss-of-function variants in USH2A are known to be pathogenic (PMID: 10729113, 10909849, 20507924, 25649381).

Molecular Genetics Laboratory, Institute for Ophthalmic Research
Classification: Pathogenic for Usher syndrome type 2. Last evaluated: 2020-01-09. Review status: criteria provided, single submitter. Criteria: ACMG Guidelines, 2015. Collection method: research. Allele origin: germline. Affected: yes.

Literature cited by the submitters: PubMed 10729113 (cited by Labcorp Genetics (formerly Invitae), Labcorp); PubMed 10909849 (cited by Labcorp Genetics (formerly Invitae), Labcorp); PubMed 20507924 (cited by Labcorp Genetics (formerly Invitae), Labcorp); PubMed 25649381 (cited by Labcorp Genetics (formerly Invitae), Labcorp).